The following is an entry in ClinVar:

NM_001009944.3(PKD1):c.4235A>C (p.Tyr1412Ser)

Gene: PKD1 (polycystin 1, transient receptor potential channel interacting; minus strand). Cytogenetic location: 16p13.3.
Variant type: single nucleotide variant.
Coding change: c.4235A>C on transcript NM_001009944.3 (MANE Select); coding-DNA position 4235, A replaced by C.
Protein change: p.Tyr1412Ser; replaces tyrosine 1412 with serine.
Molecular consequence: missense variant.
Genome position (GRCh38, 1-based): chr16:2,110,932, T>G on the plus strand (A>C on the coding strand, the complement: PKD1 is on the minus strand). VCF-style: chr16-2110932-T-G. GRCh37 (hg19) VCF-style: chr16-2160933-T-G.
Other names: c.4235A>C, p.Tyr1412Ser (NM_000296.4); short protein forms Y1412S.
Identifiers: ClinVar variation 2662142 (VCV002662142.2), dbSNP rs2544823818, ClinGen allele CA394381071.

ClinVar aggregate classification (germline): Uncertain significance (1 of 4 stars; one submission).

Submission:

GeneDx
Classification: Uncertain significance. Last evaluated: 2024-12-26. Review status: criteria provided, single submitter. Criteria: GeneDx Variant Classification Process June 2021. Collection method: clinical testing. Allele origin: germline.
Comment: Not observed at significant frequency in large population cohorts (gnomAD); In silico analysis supports that this missense variant has a deleterious effect on protein structure/function; Has not been previously published as pathogenic or benign to our knowledge